The following is an entry in ClinVar:

NM_000334.4(SCN4A):c.5137G>T (p.Val1713Leu)

Genes: GH-LCR (growth hormone locus control region; plus strand), SCN4A (sodium voltage-gated channel alpha subunit 4; minus strand). Cytogenetic location: 17q23.3.
Variant type: single nucleotide variant.
Coding change: c.5137G>T on transcript NM_000334.4 (MANE Select); coding-DNA position 5137, G replaced by T.
Protein change: p.Val1713Leu; replaces valine 1713 with leucine.
Molecular consequence: missense variant.
Genome position (GRCh38, 1-based): chr17:63,941,145, C>A on the plus strand (G>T on the coding strand, the complement: SCN4A is on the minus strand). VCF-style: chr17-63941145-C-A. GRCh37 (hg19) VCF-style: chr17-62018505-C-A.
Other names: short protein forms V1713L.
Identifiers: ClinVar variation 4779529 (VCV004779529.1).
Genomic context (GRCh38, chr17:63,941,145, plus strand): 5'-TGATGGCGCACACCTCCTCGTGCTTCCTCTTGAGGGTGGTGGTGATGGGCTCGTAGGACA[C>A]CTTGGAGGGGTTGGCTGCCATGAACTTCTCCTCCATGGTCTGCTTGAGGGCGTCCATTTC-3'
Protein context (NP_000325.4, residues 1703-1723): EKFMAANPSK[Val1713Leu]SYEPITTTLK

ClinVar aggregate classification (germline): Uncertain significance (1 of 4 stars; one submission).

Conditions:
Hyperkalemic periodic paralysis. Also called: Familial hyperkalemic periodic paralysis; Gamstorp disease. Identifiers: Orphanet 682, MedGen C0238357, MONDO:0008224, OMIM 170500, HP:0007215.

Submission:

Labcorp Genetics (formerly Invitae), Labcorp
Classification: Uncertain significance for Hyperkalemic periodic paralysis. Last evaluated: 2025-09-12. Review status: criteria provided, single submitter. Criteria: Invitae Variant Classification Sherloc (09022015). Collection method: clinical testing. Allele origin: germline.
Comment: This sequence change replaces valine, which is neutral and non-polar, with leucine, which is neutral and non-polar, at codon 1713 of the SCN4A protein (p.Val1713Leu). This variant is not present in population databases (gnomAD no frequency). This variant has not been reported in the literature in individuals affected with SCN4A-related conditions. Invitae Evidence Modeling of protein sequence and biophysical properties (such as structural, functional, and spatial information, amino acid conservation, physicochemical variation, residue mobility, and thermodynamic stability) indicates that this missense variant is not expected to disrupt SCN4A protein function with a negative predictive value of 95%. In summary, the available evidence is currently insufficient to determine the role of this variant in disease. Therefore, it has been classified as a Variant of Uncertain Significance.